The following is an entry in ClinVar:

NM_004343.4(CALR):c.904G>A (p.Asp302Asn)

Genes: CALR (calreticulin; plus strand), LOC126862861 (MED14-independent group 3 enhancer GRCh37_chr19:13050707-13051906; plus strand). Cytogenetic location: 19p13.13.
Variant type: single nucleotide variant.
Coding change: c.904G>A on transcript NM_004343.4 (MANE Select); coding-DNA position 904, G replaced by A.
Protein change: p.Asp302Asn; replaces aspartic acid 302 with asparagine.
Molecular consequence: missense variant.
Genome position (GRCh38, 1-based): chr19:12,940,831, G>A. VCF-style: chr19-12940831-G-A. GRCh37 (hg19) VCF-style: chr19-13051645-G-A.
Other names: short protein forms D302N.
Identifiers: ClinVar variation 3905126 (VCV003905126.10).

ClinVar aggregate classification (germline): Likely benign (1 of 4 stars; one submission).

Submission:

CeGaT Center for Human Genetics Tuebingen
Classification: Likely benign. Last evaluated: 2025-06-01. Review status: criteria provided, single submitter. Criteria: CeGaT Center For Human Genetics Tuebingen Variant Classification Criteria Version 2. Collection method: clinical testing. Allele origin: germline. Affected: yes. Observed: 1 variant allele.
Comment: CALR: BP4